The following is an entry in ClinVar:

ClinVar aggregate classification (germline): Uncertain significance (1 of 4 stars; one submission).

Submission:

GeneDx
Classification: Uncertain significance. Last evaluated: 2025-02-25. Review status: criteria provided, single submitter. Criteria: GeneDx Variant Classification Process June 2021. Collection method: clinical testing. Allele origin: germline. Affected: yes.
Comment: Not observed at significant frequency in large population cohorts (gnomAD); In silico analysis indicates that this missense variant does not alter protein structure/function; Has not been previously published as pathogenic or benign to our knowledge

NM_004187.5(KDM5C):c.3983C>T (p.Pro1328Leu)

Gene: KDM5C (lysine demethylase 5C; minus strand). Cytogenetic location: Xp11.22.
Variant type: single nucleotide variant.
Coding change: c.3983C>T on transcript NM_004187.5 (MANE Select); coding-DNA position 3983, C replaced by T.
Protein change: p.Pro1328Leu; replaces proline 1328 with leucine.
Molecular consequence: missense variant. On other transcripts: non-coding transcript variant (3).
Genome position (GRCh38, 1-based): chrX:53,194,194, G>A on the plus strand (C>T on the coding strand, the complement: KDM5C is on the minus strand). VCF-style: chrX-53194194-G-A. GRCh37 (hg19) VCF-style: chrX-53223376-G-A.
Other names: c.3782C>T, p.Pro1261Leu (NM_001146702.2); c.3980C>T, p.Pro1327Leu (NM_001282622.3, NM_001353979.2, NM_001353982.2); c.3983C>T, p.Pro1328Leu (NM_001353978.3, NM_001353981.2, NM_001353984.2); short protein forms P1261L, P1327L, P1328L.
Identifiers: ClinVar variation 4076558 (VCV004076558.1).